The following is an entry in ClinVar:

NM_000254.3(MTR):c.1752C>G (p.Phe584Leu)

Gene: MTR (5-methyltetrahydrofolate-homocysteine methyltransferase; plus strand). Cytogenetic location: 1q43.
Variant type: single nucleotide variant.
Coding change: c.1752C>G on transcript NM_000254.3 (MANE Select); coding-DNA position 1752, C replaced by G.
Protein change: p.Phe584Leu; replaces phenylalanine 584 with leucine.
Molecular consequence: missense variant.
Genome position (GRCh38, 1-based): chr1:236,852,577, C>G. VCF-style: chr1-236852577-C-G. GRCh37 (hg19) VCF-style: chr1-237015877-C-G.
Other names: c.1752C>G, p.Phe584Leu (NM_001291939.1); c.531C>G, p.Phe177Leu (NM_001291940.2); short protein forms F584L, F177L.
Identifiers: ClinVar variation 1359318 (VCV001359318.7), dbSNP rs1479249107, ClinGen allele CA345374800.
Genomic context (GRCh38, chr1:236,852,577, plus strand): 5'-CCAGGAAACATTACCTGGAGCCAGAATAAGTGGAGGTCTTTCCAACTTGTCCTTCTCCTT[C>G]CGAGGAATGGAAGCCATTCGAGAAGCAATGCATGGGGTTTTCCTTTACCATGCAATCAAG-3'
Protein context (NP_000245.2, residues 574-594): SGGLSNLSFS[Phe584Leu]RGMEAIREAM

ClinVar aggregate classification (germline): Uncertain significance (1 of 4 stars; one submission).

Conditions:
Methylcobalamin deficiency type cblG (HMAG). Also called: HOMOCYSTINURIA-MEGALOBLASTIC ANEMIA, cblG COMPLEMENTATION TYPE; HOMOCYSTINURIA-MEGALOBLASTIC ANEMIA, cblG TYPE; HOMOCYSTINURIA-MEGALOBLASTIC ANEMIA DUE TO DEFECT IN COBALAMIN METABOLISM, cblG COMPLEMENTATION TYPE; Functional methionine synthase deficiency type cblG. Identifiers: Orphanet 2170, Orphanet 622, MedGen C1855128, MONDO:0009609, OMIM 250940.

Allele frequency attached by ClinVar (database versions not stated): gnomAD exomes below 0.00001 and 0.00001; TOPMed 0.00001; gnomAD 0.00002.
gnomAD v4.1: 12 of 1,613,932 alleles (0.00074%); highest among the groups gnomAD compares: Non-Finnish European, 0.001%; no homozygotes.

Submission:

Labcorp Genetics (formerly Invitae), Labcorp
Classification: Uncertain significance for Methylcobalamin deficiency type cblG. Last evaluated: 2024-02-05. Review status: criteria provided, single submitter. Criteria: Invitae Variant Classification Sherloc (09022015). Collection method: clinical testing. Allele origin: germline.
Comment: This sequence change replaces phenylalanine, which is neutral and non-polar, with leucine, which is neutral and non-polar, at codon 584 of the MTR protein (p.Phe584Leu). This variant is present in population databases (no rsID available, gnomAD 0.002%). This variant has not been reported in the literature in individuals affected with MTR-related conditions. ClinVar contains an entry for this variant (Variation ID: 1359318). Advanced modeling of protein sequence and biophysical properties (such as structural, functional, and spatial information, amino acid conservation, physicochemical variation, residue mobility, and thermodynamic stability) performed at Invitae indicates that this missense variant is not expected to disrupt MTR protein function with a negative predictive value of 80%. In summary, the available evidence is currently insufficient to determine the role of this variant in disease. Therefore, it has been classified as a Variant of Uncertain Significance.